The following is an entry in ClinVar:

ClinVar aggregate classification (germline): Uncertain significance (1 of 4 stars; one submission).

Conditions:
Hypertrophic cardiomyopathy 9. Also called: Familial hypertrophic cardiomyopathy 9. Identifiers: MedGen C1861065, MONDO:0013412, OMIM 613765.
Dilated cardiomyopathy 1G (CMD1G). Identifiers: Orphanet 154, MedGen C1858763, MONDO:0011400, OMIM 604145.

Submission:

Clinical Genomics Laboratory, Washington University in St. Louis
Classification: Uncertain significance for Hypertrophic cardiomyopathy 9; Dilated cardiomyopathy 1G. Last evaluated: 2024-12-16. Review status: criteria provided, single submitter. Criteria: ACMG Guidelines, 2015. Collection method: clinical testing. Allele origin: germline.
Comment: The TTN c.18325A>T (p.Lys6109*) variant, to our knowledge, has not been reported in the medical literature and is absent from the general population (gnomAD v.2.1.1), indicating it is not a common variant. This variant causes a premature termination codon, which is expected to create a truncated TTN protein or lead to nonsense mediated decay. This variant is located in the I band of TTN, where truncating variants are significantly overrepresented in patients affected with autosomal recessive centronuclear myopathy (Ceyhan-Birsoy O et al., PMID: 23975875; Ge L et al., PMID: 31053406). Other truncating variants in this exon have been identified in individuals with DCM (Akhtar MM et al., PMID: 32964742; Schafer S et al., PMID: 27869827). However, this variant is located in the exon that is predicted to be included in <10% of transcripts and is therefore expected to have a minimal impact on the total amount of titin protein. Due to limited information, and based on ACMG/AMP guidelines for variant interpretation (Richards S et al., PMID: 25741868), the clinical significance of this variant is uncertain at this time.

NM_001267550.2(TTN):c.18325A>T (p.Lys6109Ter)

Genes: TTN (titin; minus strand), LOC126806430 (BRD4-independent group 4 enhancer GRCh37_chr2:179593794-179594993; plus strand). Cytogenetic location: 2q31.2.
Variant type: single nucleotide variant.
Coding change: c.18325A>T on transcript NM_001267550.2 (MANE Select); coding-DNA position 18325, A replaced by T.
Protein change: p.Lys6109Ter; replaces lysine 6109 with a stop codon.
Molecular consequence: nonsense. On other transcripts: intron variant (3).
Genome position (GRCh38, 1-based): chr2:178,729,928, T>A on the plus strand (A>T on the coding strand, the complement: TTN is on the minus strand). VCF-style: chr2-178729928-T-A. GRCh37 (hg19) VCF-style: chr2-179594655-T-A.
Other names: c.17374A>T, p.Lys5792Ter (NM_001256850.1); c.14593A>T, p.Lys4865Ter (NM_133378.4); c.13282+8154A>T (NM_003319.4); c.13858+8154A>T (NM_133437.4); c.13657+8154A>T (NM_133432.3); short protein forms K4865*, K5792*, K6109*.
Identifiers: ClinVar variation 3600531 (VCV003600531.1).